The following is an entry in ClinVar:

NM_004715.5(CTDP1):c.2323G>A (p.Asp775Asn)

Gene: CTDP1 (CTD phosphatase subunit 1; plus strand). Cytogenetic location: 18q23.
Variant type: single nucleotide variant.
Coding change: c.2323G>A on transcript NM_004715.5 (MANE Select); coding-DNA position 2323, G replaced by A.
Protein change: p.Asp775Asn; replaces aspartic acid 775 with asparagine.
Molecular consequence: missense variant.
Genome position (GRCh38, 1-based): chr18:79,717,922, G>A. VCF-style: chr18-79717922-G-A. GRCh37 (hg19) VCF-style: chr18-77477922-G-A.
Other names: p.Asp775Asn; c.1966G>A, p.Asp656Asn (NM_001202504.1); c.2323G>A, p.Asp775Asn (NM_001318511.2, NM_048368.4); short protein forms D656N, D775N.
Identifiers: ClinVar variation 726270 (VCV000726270.14), dbSNP rs145870152, ClinGen allele CA9010552.

ClinVar aggregate classification (germline): Conflicting classifications of pathogenicity. Review status: criteria provided, conflicting classifications (1 of 4 stars). 3 submissions from 3 submitters: Uncertain significance (1); Likely benign (1). 1 of the submissions does not count toward it. Last evaluated 2026-01-18.

Conditions:
CTDP1-related disorder. Also called: CTDP1-related condition.

Allele frequency attached by ClinVar (database versions not stated): 1000 Genomes Project 0.00020; TOPMed 0.00029; 1000 Genomes Project 30x 0.00031; gnomAD 0.00038; ESP Exome Variant Server 0.00054; gnomAD exomes 0.00059; ExAC 0.00063.
gnomAD v4.1: 624 of 1,613,514 alleles (0.039%); highest among the groups gnomAD compares: South Asian, 0.054%; 2 homozygotes.

Submissions (3):

Labcorp Genetics (formerly Invitae), Labcorp
Classification: Likely benign. Last evaluated: 2026-01-18. Review status: criteria provided, single submitter. Criteria: Invitae Variant Classification Sherloc (09022015). Collection method: clinical testing. Allele origin: germline.

Mayo Clinic Laboratories, Mayo Clinic
Classification: Uncertain significance. Last evaluated: 2024-07-02. Review status: criteria provided, single submitter. Criteria: ACMG Guidelines, 2015. Collection method: clinical testing. Allele origin: germline. Observed: 2 variant alleles.

PreventionGenetics, part of Exact Sciences
Classification: Likely benign for CTDP1-related condition. Last evaluated: 2020-07-06. Review status: no assertion criteria provided. Collection method: clinical testing. Allele origin: germline. Not counted in ClinVar's aggregate classification.
Comment: This variant is classified as likely benign based on ACMG/AMP sequence variant interpretation guidelines (Richards et al. 2015 PMID: 25741868, with internal and published modifications).